The following is an entry in ClinVar:

ClinVar aggregate classification (germline): Uncertain significance. Review status: criteria provided, multiple submitters, no conflicts (2 of 4 stars). 2 submissions from 2 submitters: Uncertain significance (2). Last evaluated 2024-11-05.

Conditions:
Inborn genetic diseases. Identifiers: MedGen C0950123, MeSH D030342.

Allele frequency attached by ClinVar (database versions not stated): gnomAD exomes below 0.00001 and 0.00001; ExAC 0.00002; gnomAD 0.00003; TOPMed 0.00004.
gnomAD v4.1: 11 of 1,614,098 alleles (0.00068%); highest among the groups gnomAD compares: African/African-American, 0.015%; no homozygotes.

Submissions (2):

Labcorp Genetics (formerly Invitae), Labcorp
Classification: Uncertain significance. Last evaluated: 2024-11-05. Review status: criteria provided, single submitter. Criteria: Invitae Variant Classification Sherloc (09022015). Collection method: clinical testing. Allele origin: germline.
Comment: This sequence change replaces asparagine, which is neutral and polar, with serine, which is neutral and polar, at codon 657 of the AGBL5 protein (p.Asn657Ser). The frequency data for this variant in the population databases is considered unreliable, as metrics indicate poor data quality at this position in the gnomAD database. This variant has not been reported in the literature in individuals affected with AGBL5-related conditions. ClinVar contains an entry for this variant (Variation ID: 1375795). An algorithm developed to predict the effect of missense changes on protein structure and function outputs the following: PolyPhen-2: "Benign". The serine amino acid residue is found in multiple mammalian species, which suggests that this missense change does not adversely affect protein function. In summary, the available evidence is currently insufficient to determine the role of this variant in disease. Therefore, it has been classified as a Variant of Uncertain Significance.

Ambry Genetics
Classification: Uncertain significance for Inborn genetic diseases. Last evaluated: 2024-05-21. Review status: criteria provided, single submitter. Criteria: Ambry Variant Classification Scheme 2023. Collection method: clinical testing. Allele origin: germline.

NM_021831.6(AGBL5):c.1970A>G (p.Asn657Ser)

Gene: AGBL5 (AGBL carboxypeptidase 5; plus strand). Cytogenetic location: 2p23.3.
Variant type: single nucleotide variant.
Coding change: c.1970A>G on transcript NM_021831.6 (MANE Select); coding-DNA position 1970, A replaced by G.
Protein change: p.Asn657Ser; replaces asparagine 657 with serine.
Molecular consequence: missense variant. On other transcripts: non-coding transcript variant (2).
Genome position (GRCh38, 1-based): chr2:27,059,285, A>G. VCF-style: chr2-27059285-A-G. GRCh37 (hg19) VCF-style: chr2-27282153-A-G.
Other names: c.1970A>G, p.Asn657Ser (NM_001035507.3); c.1970A>G (NM_021831.5); short protein forms N657S.
Identifiers: ClinVar variation 1375795 (VCV001375795.9), dbSNP rs745963182, ClinGen allele CA1568029.